The following is an entry in ClinVar:

NM_001267550.2(TTN):c.102676G>C (p.Val34226Leu)

Genes: TTN (titin; minus strand), TTN-AS1 (TTN antisense RNA 1; plus strand). Cytogenetic location: 2q31.2.
Variant type: single nucleotide variant.
Coding change: c.102676G>C on transcript NM_001267550.2 (MANE Select); coding-DNA position 102676, G replaced by C.
Protein change: p.Val34226Leu; replaces valine 34226 with leucine.
Molecular consequence: missense variant.
Genome position (GRCh38, 1-based): chr2:178,533,939, C>G on the plus strand (G>C on the coding strand, the complement: TTN is on the minus strand). VCF-style: chr2-178533939-C-G. GRCh37 (hg19) VCF-style: chr2-179398666-C-G.
Other names: c.97753G>C, p.Val32585Leu (NM_001256850.1); c.75481G>C, p.Val25161Leu (NM_003319.4); c.94972G>C, p.Val31658Leu (NM_133378.4); c.75856G>C, p.Val25286Leu (NM_133432.3); c.76057G>C, p.Val25353Leu (NM_133437.4); short protein forms V25353L, V32585L, V31658L, V25286L, V25161L, V34226L.
Identifiers: ClinVar variation 2117799 (VCV002117799.4), dbSNP rs2468514410, ClinGen allele CA349417003.

ClinVar aggregate classification (germline): Uncertain significance (1 of 4 stars; one submission).

Conditions:
Dilated cardiomyopathy 1G (CMD1G). Identifiers: Orphanet 154, MedGen C1858763, MONDO:0011400, OMIM 604145.
Autosomal recessive limb-girdle muscular dystrophy type 2J (LGMDR10). Also called: Limb-girdle muscular dystrophy, type 2J; MUSCULAR DYSTROPHY, LIMB-GIRDLE, AUTOSOMAL RECESSIVE 10. Identifiers: Orphanet 140922, MedGen C1837342, MONDO:0012127, OMIM 608807.

Allele frequency attached by ClinVar (database versions not stated): gnomAD exomes below 0.00001.
gnomAD v4.1: 2 of 1,613,898 alleles (0.00012%); highest among the groups gnomAD compares: Non-Finnish European, 0.00017%; no homozygotes.

Submission:

Labcorp Genetics (formerly Invitae), Labcorp
Classification: Uncertain significance for Dilated cardiomyopathy 1G; Autosomal recessive limb-girdle muscular dystrophy type 2J. Last evaluated: 2022-03-28. Review status: criteria provided, single submitter. Criteria: Invitae Variant Classification Sherloc (09022015). Collection method: clinical testing. Allele origin: germline.
Comment: This variant is not present in population databases (gnomAD no frequency). This variant is located in the M band of TTN (PMID: 25589632). Variants in this region may be relevant for neuromuscular disorders, but have not been definitively shown to cause cardiomyopathy (PMID: 23975875). In summary, the available evidence is currently insufficient to determine the role of this variant in disease. Therefore, it has been classified as a Variant of Uncertain Significance. Experimental studies and prediction algorithms are not available or were not evaluated, and the functional significance of this variant is currently unknown. This variant has not been reported in the literature in individuals affected with TTN-related conditions. This sequence change replaces valine, which is neutral and non-polar, with leucine, which is neutral and non-polar, at codon 34226 of the TTN protein (p.Val34226Leu).

Literature cited by the submitters: PubMed 25589632; PubMed 23975875.